The following is an entry in ClinVar:

ClinVar aggregate classification (germline): Likely benign. Review status: criteria provided, multiple submitters, no conflicts (2 of 4 stars). 5 submissions from 5 submitters: Likely benign (4). 1 of the submissions does not count toward it. Last evaluated 2025-12-22.

Conditions:
Hereditary cancer-predisposing syndrome. Also called: Tumor predisposition; Neoplastic Syndromes, Hereditary; Hereditary Cancer Syndrome; Hereditary neoplastic syndrome. Identifiers: Orphanet 140162, MedGen C0027672, MeSH D009386, MONDO:0015356.
Gorlin syndrome. Also called: Nevoid Basal Cell Carcinoma Syndrome; Basal cell nevus syndrome. Identifiers: Orphanet 377, MedGen C0004779, MONDO:0007187.
PTCH1-related disorder. Also called: PTCH1-related disorders; PTCH1-related condition.

Allele frequency attached by ClinVar (database versions not stated): ExAC 0.00001; gnomAD exomes 0.00001 and 0.00003; gnomAD 0.00002; TOPMed 0.00002.
gnomAD v4.1: 43 of 1,609,814 alleles (0.0027%); highest among the groups gnomAD compares: African/African-American, 0.004%; no homozygotes.

Submissions (5):

Labcorp Genetics (formerly Invitae), Labcorp
Classification: Likely benign for Gorlin syndrome. Last evaluated: 2025-12-22. Review status: criteria provided, single submitter. Criteria: Invitae Variant Classification Sherloc (09022015). Collection method: clinical testing. Allele origin: germline.

Center for Genomic Medicine, Rigshospitalet, Copenhagen University Hospital
Classification: Likely benign. Last evaluated: 2025-03-04. Review status: criteria provided, single submitter. Criteria: ACMG Guidelines, 2015. Collection method: clinical testing. Allele origin: germline.

Sema4
Classification: Likely benign for Hereditary cancer-predisposing syndrome. Last evaluated: 2020-12-24. Review status: criteria provided, single submitter. Criteria: Sema4 Curation Guidelines. Collection method: curation. Allele origin: germline.

Ambry Genetics
Classification: Likely benign for Hereditary cancer-predisposing syndrome. Last evaluated: 2018-04-10. Review status: criteria provided, single submitter. Criteria: Ambry Variant Classification Scheme 2023. Collection method: clinical testing. Allele origin: germline.

PreventionGenetics, part of Exact Sciences
Classification: Likely benign for PTCH1-related condition. Last evaluated: 2022-04-10. Review status: no assertion criteria provided. Collection method: clinical testing. Allele origin: germline. Not counted in ClinVar's aggregate classification.
Comment: This variant is classified as likely benign based on ACMG/AMP sequence variant interpretation guidelines (Richards et al. 2015 PMID: 25741868, with internal and published modifications).

NM_000264.5(PTCH1):c.129C>T (p.Ala43=)

Genes: PTCH1 (patched 1; minus strand), LOC130002133 (ATAC-STARR-seq lymphoblastoid silent region 20071; plus strand). Cytogenetic location: 9q22.32.
Variant type: single nucleotide variant.
Coding change: c.129C>T on transcript NM_000264.5 (MANE Select); coding-DNA position 129, C replaced by T.
Protein change: p.Ala43=; no amino-acid change (alanine 43 retained).
Molecular consequence: synonymous variant. On other transcripts: non-coding transcript variant (1), intron variant (3).
Genome position (GRCh38, 1-based): chr9:95,508,233, G>A on the plus strand (C>T on the coding strand, the complement: PTCH1 is on the minus strand). VCF-style: chr9-95508233-G-A. GRCh37 (hg19) VCF-style: chr9-98270515-G-A.
Other names: c.129C>T, p.Ala43= (NM_001354918.2); c.199-1634C>T (NM_001083603.3); c.4-1634C>T (NM_001083602.3, NM_001354919.2).
Identifiers: ClinVar variation 415499 (VCV000415499.20), dbSNP rs763200358, ClinGen allele CA5139041.
Genomic context (GRCh38, chr9:95,508,233, plus strand): 5'-CTCCAGAGCGAAGGCGGCGTCGCAGTAGCTGGGCCGGTGCAGATAGTCCCGGTCCGGCGC[G>A]GCAGCACGGCGCAGCCCCCCCGTCCGTCTGCGCCTCCCGCCTCCAGCCGGCCGTCCCGGG-3'
Protein context (NP_000255.2, residues 33-53): RRRTGGLRRA[Ala43=]APDRDYLHRP